The following is an entry in ClinVar:

NM_001035.3(RYR2):c.2374G>A (p.Val792Ile)

Gene: RYR2 (ryanodine receptor 2; plus strand). Cytogenetic location: 1q43.
Variant type: single nucleotide variant.
Coding change: c.2374G>A on transcript NM_001035.3 (MANE Select); coding-DNA position 2374, G replaced by A.
Protein change: p.Val792Ile; replaces valine 792 with isoleucine.
Molecular consequence: missense variant.
Genome position (GRCh38, 1-based): chr1:237,500,881, G>A. VCF-style: chr1-237500881-G-A. GRCh37 (hg19) VCF-style: chr1-237664181-G-A.
Other names: c.2374G>A, p.Val792Ile (LRG_402t1); short protein forms V792I.
Identifiers: ClinVar variation 662011 (VCV000662011.21), dbSNP rs764485892, ClinGen allele CA086024.

ClinVar aggregate classification (germline): Conflicting classifications of pathogenicity. Review status: criteria provided, conflicting classifications (1 of 4 stars). 6 submissions from 6 submitters: Uncertain significance (4); Likely benign (2). Last evaluated 2025-06-01.

Conditions:
Catecholaminergic polymorphic ventricular tachycardia 1. Also called: VENTRICULAR TACHYCARDIA, CATECHOLAMINERGIC POLYMORPHIC, 1, WITH OR WITHOUT ATRIAL DYSFUNCTION AND/OR DILATED CARDIOMYOPATHY; VENTRICULAR TACHYCARDIA, STRESS-INDUCED POLYMORPHIC 1; RYR2-Related Catecholaminergic Polymorphic Ventricular Tachycardia. Identifiers: Orphanet 3286, MedGen C1631597, MONDO:0011484, OMIM 604772.
Cardiomyopathy (CMYO). Also called: Cardiomyopathies. Identifiers: Orphanet 167848, MedGen C0878544, MONDO:0004994, HP:0001638. Inheritance: Various modes of inheritance.
Cardiovascular phenotype. Identifiers: MedGen CN230736.
Catecholaminergic polymorphic ventricular tachycardia (CVPT). Also called: Catecholamine-induced polymorphic ventricular tachycardia. Identifiers: Orphanet 3286, MedGen C5574922, MONDO:0017990.
RYR2-related disorder. Also called: RYR2-related condition.

Allele frequency attached by ClinVar (database versions not stated): ExAC 0.00001; gnomAD exomes 0.00001; gnomAD 0.00002; TOPMed 0.00003.
gnomAD v4.1: 18 of 1,613,860 alleles (0.0011%); highest among the groups gnomAD compares: Middle Eastern, 0.049%; no homozygotes.

Submissions (6):

Labcorp Genetics (formerly Invitae), Labcorp
Classification: Likely benign for Catecholaminergic polymorphic ventricular tachycardia 1. Last evaluated: 2025-06-01. Review status: criteria provided, single submitter. Criteria: Invitae Variant Classification Sherloc (09022015). Collection method: clinical testing. Allele origin: germline.

All of Us Research Program, National Institutes of Health
Classification: Uncertain significance for Catecholaminergic polymorphic ventricular tachycardia. Last evaluated: 2024-09-23. Review status: criteria provided, single submitter. Criteria: ACMG Guidelines, 2015. Collection method: clinical testing. Allele origin: germline. Inheritance: Autosomal dominant inheritance. Observed: 6 variant alleles, 6 heterozygotes.
Comment: Variant of Uncertain Significance due to insufficient evidence: This missense variant replaces valine with isoleucine at codon 792 of the RYR2 protein. Computational prediction tools and conservation analyses suggest that this variant may have deleterious impact on the protein function. Computational splicing tools suggest that this variant may not impact RNA splicing. To our knowledge, functional assays have not been performed for this variant nor has this variant been reported in individuals affected with cardiovascular disorders in the literature. This variant has been identified in 4/280668 chromosomes in the general population by the Genome Aggregation Database (gnomAD). Available evidence is insufficient to determine the role of this variant in disease conclusively.

This study involves interpretation of variants in research participants for the purpose of population health screening. Participant phenotype was not available at the time of variant classification. Additional details can be found in publication PMID: 35346344, PMCID: PMC8962531

Color Diagnostics, LLC DBA Color Health
Classification: Uncertain significance for Cardiomyopathy. Last evaluated: 2024-03-22. Review status: criteria provided, single submitter. Criteria: ACMG Guidelines, 2015. Collection method: clinical testing. Allele origin: germline.
Comment: This missense variant replaces valine with isoleucine at codon 792 of the RYR2 protein. Computational prediction suggests that this variant may not impact protein structure and function (internally defined REVEL score threshold <= 0.5, PMID: 27666373). To our knowledge, functional studies have not been reported for this variant. This variant has not been reported in individuals affected with RYR2-related disorders in the literature. This variant has been identified in 4/280668 chromosomes in the general population by the Genome Aggregation Database (gnomAD). The available evidence is insufficient to determine the role of this variant in disease conclusively. Therefore, this variant is classified as a Variant of Uncertain Significance.

Blueprint Genetics
Classification: Likely benign. Last evaluated: 2024-02-14. Review status: criteria provided, single submitter. Criteria: ACMG Guidelines, 2015. Collection method: clinical testing. Allele origin: germline.

Ambry Genetics
Classification: Uncertain significance for Cardiovascular phenotype. Last evaluated: 2023-11-21. Review status: criteria provided, single submitter. Criteria: Ambry Variant Classification Scheme 2023. Collection method: clinical testing. Allele origin: germline.
Comment: The p.V792I variant (also known as c.2374G>A), located in coding exon 21 of the RYR2 gene, results from a G to A substitution at nucleotide position 2374. The valine at codon 792 is replaced by isoleucine, an amino acid with highly similar properties. This amino acid position is well conserved in available vertebrate species. In addition, this alteration is predicted to be tolerated by in silico analysis. Since supporting evidence is limited at this time, the clinical significance of this alteration remains unclear.

PreventionGenetics, part of Exact Sciences
Classification: Uncertain significance for RYR2-related condition. Last evaluated: 2022-09-14. Review status: criteria provided, single submitter. Criteria: ACMG Guidelines, 2015. Collection method: clinical testing. Allele origin: germline.
Comment: The RYR2 c.2374G>A variant is predicted to result in the amino acid substitution p.Val792Ile. To our knowledge, this variant has not been reported in the literature. This variant is reported in 0.0083% of alleles in individuals of African descent in gnomAD. At this time, the clinical significance of this variant is uncertain due to the absence of conclusive functional and genetic evidence.